The following is an entry in ClinVar:

ClinVar aggregate classification (germline): Uncertain significance (1 of 4 stars; one submission).

Conditions:
Hyperekplexia 3 (HKPX3). Also called: HYPEREKPLEXIA 3, AUTOSOMAL RECESSIVE; HYPEREKPLEXIA 3, AUTOSOMAL DOMINANT. Identifiers: Orphanet 3197, MedGen C3553288, MONDO:0013827, OMIM 614618.

Allele frequency attached by ClinVar (database versions not stated): gnomAD exomes below 0.00001; ExAC 0.00001.

Submission:

Labcorp Genetics (formerly Invitae), Labcorp
Classification: Uncertain significance for Hyperekplexia 3. Last evaluated: 2022-08-16. Review status: criteria provided, single submitter. Criteria: Invitae Variant Classification Sherloc (09022015). Collection method: clinical testing. Allele origin: germline.
Comment: This sequence change replaces tyrosine, which is neutral and polar, with cysteine, which is neutral and slightly polar, at codon 351 of the SLC6A5 protein (p.Tyr351Cys). This variant is present in population databases (rs767152613, gnomAD 0.0009%). This variant has not been reported in the literature in individuals affected with SLC6A5-related conditions. Advanced modeling of protein sequence and biophysical properties (such as structural, functional, and spatial information, amino acid conservation, physicochemical variation, residue mobility, and thermodynamic stability) performed at Invitae indicates that this missense variant is not expected to disrupt SLC6A5 protein function. In summary, the available evidence is currently insufficient to determine the role of this variant in disease. Therefore, it has been classified as a Variant of Uncertain Significance.

NM_004211.5(SLC6A5):c.1052A>G (p.Tyr351Cys)

Gene: SLC6A5 (solute carrier family 6 member 5; plus strand). Cytogenetic location: 11p15.1.
Variant type: single nucleotide variant.
Coding change: c.1052A>G on transcript NM_004211.5 (MANE Select); coding-DNA position 1052, A replaced by G.
Protein change: p.Tyr351Cys; replaces tyrosine 351 with cysteine.
Molecular consequence: missense variant.
Genome position (GRCh38, 1-based): chr11:20,614,745, A>G. VCF-style: chr11-20614745-A-G. GRCh37 (hg19) VCF-style: chr11-20636291-A-G.
Other names: c.350A>G, p.Tyr117Cys (NM_001318369.2); short protein forms Y117C, Y351C.
Identifiers: ClinVar variation 2142086 (VCV002142086.4), dbSNP rs767152613, ClinGen allele CA5921299.